The following is an entry in ClinVar:

NM_003060.4(SLC22A5):c.797C>G (p.Pro266Arg)

Gene: SLC22A5 (solute carrier family 22 member 5; plus strand). Cytogenetic location: 5q31.1.
Variant type: single nucleotide variant.
Coding change: c.797C>G on transcript NM_003060.4 (MANE Select); coding-DNA position 797, C replaced by G.
Protein change: p.Pro266Arg; replaces proline 266 with arginine.
Molecular consequence: missense variant.
Genome position (GRCh38, 1-based): chr5:132,385,472, C>G. VCF-style: chr5-132385472-C-G. GRCh37 (hg19) VCF-style: chr5-131721164-C-G.
Other names: c.869C>G, p.Pro290Arg (NM_001308122.2); short protein forms P266R, P290R.
Identifiers: ClinVar variation 834494 (VCV000834494.10), dbSNP rs538372785, ClinGen allele CA3403973.

ClinVar aggregate classification (germline): Conflicting classifications of pathogenicity. Review status: criteria provided, conflicting classifications (1 of 4 stars). 2 submissions from 2 submitters: Likely pathogenic (1); Uncertain significance (1). Last evaluated 2022-03-28.

Conditions:
Renal carnitine transport defect (CDSP). Also called: Carnitine transporter deficiency; Carnitine Deficiency, Systemic; Systemic primary carnitine deficiency; CARNITINE DEFICIENCY, SYSTEMIC, DUE TO DEFECT IN RENAL REABSORPTION OF CARNITINE; CARNITINE TRANSPORTER, PLASMA-MEMBRANE, DEFICIENCY OF; CARNITINE UPTAKE DEFECT. Identifiers: Orphanet 158, MedGen C0342788, MONDO:0008919, OMIM 212140.

Allele frequency attached by ClinVar (database versions not stated): gnomAD 0.00001.
gnomAD v4.1: 7 of 1,613,906 alleles (0.00043%); no homozygotes.

Submissions (2):

Blueprint Genetics
Classification: Uncertain significance. Last evaluated: 2022-03-28. Review status: criteria provided, single submitter. Criteria: ACMG Guidelines, 2015. Collection method: clinical testing. Allele origin: germline.

Labcorp Genetics (formerly Invitae), Labcorp
Classification: Likely pathogenic for Renal carnitine transport defect. Last evaluated: 2019-12-02. Review status: criteria provided, single submitter. Criteria: Invitae Variant Classification Sherloc (09022015). Collection method: clinical testing. Allele origin: germline.
Comment: In summary, the currently available evidence indicates that the variant is pathogenic, but additional data are needed to prove that conclusively. Therefore, this variant has been classified as Likely Pathogenic. This variant disrupts the p.Pro266 amino acid residue in SLC22A5. Other variant(s) that disrupt this residue have been determined to be pathogenic (PMID: 31364285, 30863740, Invitae). This suggests that this residue is clinically significant, and that variants that disrupt this residue are likely to be disease-causing. Algorithms developed to predict the effect of missense changes on protein structure and function (SIFT, PolyPhen-2, Align-GVGD) all suggest that this variant is likely to be disruptive, but these predictions have not been confirmed by published functional studies and their clinical significance is uncertain. This variant has been observed in individual(s) with primary carnitine deficiency (Invitae). In at least one individual the data is consistent with the variant being in trans (on the opposite chromosome) from a pathogenic variant. This variant is present in population databases (rs538372785, ExAC 0.03%). This sequence change replaces proline with arginine at codon 266 of the SLC22A5 protein (p.Pro266Arg). The proline residue is highly conserved and there is a moderate physicochemical difference between proline and arginine.

Literature cited by the submitters: PubMed 31364285 (cited by Labcorp Genetics (formerly Invitae), Labcorp); PubMed 30863740 (cited by Labcorp Genetics (formerly Invitae), Labcorp).